The following is an entry in ClinVar:

ClinVar aggregate classification (germline): Uncertain significance. Review status: criteria provided, multiple submitters, no conflicts (2 of 4 stars). 2 submissions from 2 submitters: Uncertain significance (2). Last evaluated 2021-01-28.

Conditions:
Seizures, benign familial infantile, 3 (BFIS3). Also called: CONVULSIONS, BENIGN FAMILIAL INFANTILE, 3; Familial neonatal seizures. Identifiers: Orphanet 140927, Orphanet 306, MedGen C1843140, MONDO:0011904, OMIM 607745.
Developmental and epileptic encephalopathy, 11 (DEE11). Also called: Early infantile epileptic encephalopathy 11. Identifiers: Orphanet 1934, MedGen C3150987, MONDO:0013388, OMIM 613721.

gnomAD v4.1: 17 of 1,614,154 alleles (0.0011%); highest among the groups gnomAD compares: South Asian, 0.0022%; no homozygotes.

Submissions (2):

Labcorp Genetics (formerly Invitae), Labcorp
Classification: Uncertain significance for Seizures, benign familial infantile, 3; Developmental and epileptic encephalopathy, 11. Last evaluated: 2021-01-28. Review status: criteria provided, single submitter. Criteria: Invitae Variant Classification Sherloc (09022015). Collection method: clinical testing. Allele origin: germline.
Comment: This sequence change replaces aspartic acid with glutamic acid at codon 1283 of the SCN2A protein (p.Asp1283Glu). The aspartic acid residue is highly conserved and there is a small physicochemical difference between aspartic acid and glutamic acid. In summary, the available evidence is currently insufficient to determine the role of this variant in disease. Therefore, it has been classified as a Variant of Uncertain Significance. Algorithms developed to predict the effect of sequence changes on RNA splicing suggest that this variant may create or strengthen a splice site, but this prediction has not been confirmed by published transcriptional studies. Algorithms developed to predict the effect of missense changes on protein structure and function are either unavailable or do not agree on the potential impact of this missense change (SIFT: "Deleterious"; PolyPhen-2: "Probably Damaging"; Align-GVGD: "Class C0"). This variant has not been reported in the literature in individuals with SCN2A-related conditions. This variant is not present in population databases (ExAC no frequency).

Blueprint Genetics
Classification: Uncertain significance. Last evaluated: 2021-01-15. Review status: criteria provided, single submitter. Criteria: ACMG Guidelines, 2015. Collection method: clinical testing. Allele origin: germline.

NM_001040142.2(SCN2A):c.3849T>A (p.Asp1283Glu)

Gene: SCN2A (sodium voltage-gated channel alpha subunit 2; plus strand). Cytogenetic location: 2q24.3.
Variant type: single nucleotide variant.
Coding change: c.3849T>A on transcript NM_001040142.2 (MANE Select); coding-DNA position 3849, T replaced by A.
Protein change: p.Asp1283Glu; replaces aspartic acid 1283 with glutamic acid.
Molecular consequence: missense variant.
Genome position (GRCh38, 1-based): chr2:165,370,299, T>A. VCF-style: chr2-165370299-T-A. GRCh37 (hg19) VCF-style: chr2-166226809-T-A.
Other names: c.3849T>A, p.Asp1283Glu (NM_001040143.2, NM_001371246.1, NM_001371247.1 and 1 more transcripts); short protein forms D1283E.
Identifiers: ClinVar variation 1426879 (VCV001426879.9), dbSNP rs752258602, ClinGen allele CA349028539.